The following is an entry in ClinVar:

ClinVar aggregate classification (germline): Likely benign (1 of 4 stars; one submission).

Allele frequency attached by ClinVar (database versions not stated): ESP Exome Variant Server 0.00031; TOPMed 0.00033; gnomAD 0.00080; ExAC 0.00084.
gnomAD v4.1: 779 of 1,611,988 alleles (0.048%); highest among the groups gnomAD compares: South Asian, 0.039%; 2 homozygotes.

Submission:

CeGaT Center for Human Genetics Tuebingen
Classification: Likely benign. Last evaluated: 2022-03-01. Review status: criteria provided, single submitter. Criteria: CeGaT Center For Human Genetics Tuebingen Variant Classification Criteria Version 2. Collection method: clinical testing. Allele origin: germline. Affected: yes. Observed: 1 variant allele.
Comment: CDHR2: BP4, BP7

NM_017675.6(CDHR2):c.366C>T (p.Pro122=)

Gene: CDHR2 (cadherin related family member 2; plus strand). Cytogenetic location: 5q35.2.
Variant type: single nucleotide variant.
Coding change: c.366C>T on transcript NM_017675.6 (MANE Select); coding-DNA position 366, C replaced by T.
Protein change: p.Pro122=; no amino-acid change (proline 122 retained).
Molecular consequence: synonymous variant.
Genome position (GRCh38, 1-based): chr5:176,571,263, C>T. VCF-style: chr5-176571263-C-T. GRCh37 (hg19) VCF-style: chr5-175998264-C-T.
Other names: c.366C>T, p.Pro122= (NM_001171976.2).
Identifiers: ClinVar variation 2656087 (VCV002656087.24), dbSNP rs200376829, ClinGen allele CA3570093.